The following is an entry in ClinVar:

NM_001276270.2(MBD4):c.672C>T (p.Asn224=)

Gene: MBD4 (methyl-CpG binding domain 4, DNA glycosylase; minus strand). Cytogenetic location: 3q21.3.
Variant type: single nucleotide variant.
Coding change: c.672C>T on transcript NM_001276270.2 (MANE Select); coding-DNA position 672, C replaced by T.
Protein change: p.Asn224=; no amino-acid change (asparagine 224 retained).
Molecular consequence: synonymous variant. On other transcripts: intron variant (1).
Genome position (GRCh38, 1-based): chr3:129,436,972, G>A on the plus strand (C>T on the coding strand, the complement: MBD4 is on the minus strand). VCF-style: chr3-129436972-G-A. GRCh37 (hg19) VCF-style: chr3-129155815-G-A.
Other names: c.672C>T, p.Asn224= (NM_001276271.2, NM_001276272.2, NM_003925.3); c.247+836C>T (NM_001276273.2); c.672C>T (NM_003925.2).
Identifiers: ClinVar variation 2780667 (VCV002780667.5), dbSNP rs751088344, ClinGen allele CA2605488.

ClinVar aggregate classification (germline): Benign/Likely benign. Review status: criteria provided, multiple submitters, no conflicts (2 of 4 stars). 3 submissions from 3 submitters: Benign (1); Likely benign (2). Last evaluated 2026-06-11.

Conditions:
MBD4-related disorder. Also called: MBD4-related condition.
Tumor predisposition syndrome 2 (TPDS2). Also called: MBD4-Related Tumor Predisposition Syndrome; MBD4-associated neoplasia syndrome (MANS); MBD4-ASSOCIATED NEOPLASIA SYNDROME. Identifiers: Orphanet 661526, MedGen C5774186, MONDO:0859267, OMIM 619975.

Allele frequency attached by ClinVar (database versions not stated): ExAC 0.00001; gnomAD exomes 0.00001; TOPMed 0.00001.
gnomAD v4.1: 5 of 1,614,116 alleles (0.00031%); highest among the groups gnomAD compares: Admixed American, 0.0083%; no homozygotes.

Submissions (3):

Myriad Genetics, Inc.
Classification: Benign for Tumor predisposition syndrome 2. Last evaluated: 2026-06-11. Review status: criteria provided, single submitter. Criteria: Myriad Autosomal Dominant, Autosomal Recessive and X-Linked Classification Criteria (2023). Collection method: clinical testing. Allele origin: unknown.
Comment: This variant is considered benign. This variant is a silent/synonymous amino acid change and it is not expected to impact splicing.

PreventionGenetics, part of Exact Sciences
Classification: Likely benign for MBD4-related condition. Last evaluated: 2026-03-17. Review status: criteria provided, single submitter. Criteria: ACMG Guidelines, 2015. Collection method: clinical testing. Allele origin: germline.
Comment: This variant is classified as likely benign based on ACMG/AMP sequence variant interpretation guidelines (Richards et al. 2015 PMID: 25741868, with internal and published modifications).

Labcorp Genetics (formerly Invitae), Labcorp
Classification: Likely benign. Last evaluated: 2024-11-30. Review status: criteria provided, single submitter. Criteria: Invitae Variant Classification Sherloc (09022015). Collection method: clinical testing. Allele origin: germline.